The following is an entry in ClinVar:

ClinVar aggregate classification (germline): Benign. Review status: reviewed by expert panel (3 of 4 stars). 7 submissions from 7 submitters: Benign (1). 6 of the submissions do not count toward it. Last evaluated 2025-12-19.

Conditions:
Immunodeficiency 14 (IMD14A). Also called: Activated PI3K Delta Syndrome Type 1 (APDS1); p110-DELTA-ACTIVATING MUTATION CAUSING SENESCENT T CELLS, LYMPHADENOPATHY, AND IMMUNODEFICIENCY; IMMUNODEFICIENCY 14A WITH LYMPHOPROLIFERATION, AUTOSOMAL DOMINANT; ACTIVATED PI3K-DELTA SYNDROME 1. Identifiers: Orphanet 397596, Orphanet 693661, MedGen C5907821, MONDO:0014222, OMIM 615513.

Allele frequency attached by ClinVar (database versions not stated): 1000 Genomes Project 0.00779; 1000 Genomes Project 30x 0.00828; gnomAD 0.01822 and 0.01937; TOPMed 0.01962; gnomAD exomes 0.02019 and 0.02702; ExAC 0.02073; ESP Exome Variant Server 0.02153.
gnomAD v4.1: 42,346 of 1,613,884 alleles (2.6%); highest among the groups gnomAD compares: Non-Finnish European, 3%; 660 homozygotes.

Submissions (7):

ClinGen Primary Immune Regulatory Disorders Variant Curation Expert Panel, ClinGen
Classification: Benign for Immunodeficiency 14. Last evaluated: 2025-12-19. Review status: reviewed by expert panel. Criteria: ClinGen AbDef ACMG Specifications PIK3CD V1.0.0. Collection method: curation. Allele origin: germline. Inheritance: Autosomal dominant inheritance.
Comment: NM_005026.5(PIK3CD):c.935C>G is a missense variant that causes substitution of serine by cysteine at amino acid 312. This variant is present in gnomAD v.4.1.0 at a GrpMax allele frequency of 0.03022, with 35,966 alleles / 1,179,842 total alleles in the European (non-Finnish) population, which is higher than the ClinGen Antibody Deficiencies VCEP BA1 threshold of >0.00316 (BA1). This variant has been reported in 1 proband reported to have a phenotype that includes diagnosis with activated PI3K delta syndrome, antibody deficiency (0.5 pts), autoimmunity (1 pt), and increased phosphorylation of AKT in lymphocytes, which together are not sufficiently specific for immunodeficiency 14 to meet PP4 (1.5 total points, PMID: 29563914). The computational predictor REVEL gives a score of 0.118, which is below the ClinGen Antibody Deficiencies VCEP threshold of <0.290 and predicts a non-damaging effect on PIK3CD function. The computational predictor CADD gives a PHRED score of 17.63, which is below the ClinGen Antibody Deficiencies VCEP threshold of <22.7 and predicts a non-deleterious effect on PIK3CD function. The two predictors agree on a non-damaging effect (BP4). In summary, this variant meets the criteria to be classified as benign for autosomal dominant immunodeficiency 14 based on the ACMG/AMP criteria applied, as specified by the ClinGen Antibody Deficiencies VCEP: BA1 and BP4. (VCEP specifications version 1.0.0).

CeGaT Center for Human Genetics Tuebingen
Classification: Benign. Last evaluated: 2026-09-01. Review status: criteria provided, single submitter. Criteria: CeGaT Center For Human Genetics Tuebingen Variant Classification Criteria Version 2. Collection method: clinical testing. Allele origin: germline. Affected: yes. Observed: 51 variant alleles. Not counted in ClinVar's aggregate classification.
Comment: PIK3CD: BP4, BS1, BS2

Labcorp Genetics (formerly Invitae), Labcorp
Classification: Benign for Activated PI3K-delta syndrome. Last evaluated: 2026-02-03. Review status: criteria provided, single submitter. Criteria: Invitae Variant Classification Sherloc (09022015). Collection method: clinical testing. Allele origin: germline. Not counted in ClinVar's aggregate classification.

Women's Health and Genetics/Laboratory Corporation of America, LabCorp
Classification: Likely benign. Last evaluated: 2026-01-21. Review status: criteria provided, single submitter. Criteria: LabCorp Variant Classification Summary - May 2015. Collection method: clinical testing. Allele origin: germline. Not counted in ClinVar's aggregate classification.

ARUP Laboratories, Molecular Genetics and Genomics, ARUP Laboratories
Classification: Benign. Last evaluated: 2025-01-21. Review status: criteria provided, single submitter. Criteria: ARUP Molecular Germline Variant Investigation Process 2024. Collection method: clinical testing. Allele origin: germline. Not counted in ClinVar's aggregate classification.

Mayo Clinic Laboratories, Mayo Clinic
Classification: Benign. Last evaluated: 2019-12-18. Review status: criteria provided, single submitter. Criteria: ACMG Guidelines, 2015. Collection method: clinical testing. Allele origin: germline. Observed: 54 variant alleles. Not counted in ClinVar's aggregate classification.

Breakthrough Genomics
Classification: Benign. Review status: criteria provided, single submitter. Criteria: ACMG Guidelines, 2015. Collection method: not provided. Allele origin: germline. Inheritance: Autosomal recessive inheritance. Affected: yes. Not counted in ClinVar's aggregate classification.

NM_005026.5(PIK3CD):c.935C>G (p.Ser312Cys)

Gene: PIK3CD (phosphatidylinositol-4,5-bisphosphate 3-kinase catalytic subunit delta; plus strand). Cytogenetic location: 1p36.22.
Variant type: single nucleotide variant.
Coding change: c.935C>G on transcript NM_005026.5 (MANE Select); coding-DNA position 935, C replaced by G.
Protein change: p.Ser312Cys; replaces serine 312 with cysteine.
Molecular consequence: missense variant.
Genome position (GRCh38, 1-based): chr1:9,717,541, C>G. VCF-style: chr1-9717541-C-G. GRCh37 (hg19) VCF-style: chr1-9777599-C-G.
Other names: p.Ser312Cys; NM_005026.5(PIK3CD):c.935C>G; c.935C>G (LRG_191t1); c.935C>G, p.Ser312Cys (NM_001350234.2); c.848C>G, p.Ser283Cys (NM_001350235.1); short protein forms S312C, S283C.
Identifiers: ClinVar variation 440066 (VCV000440066.48), dbSNP rs61755420, ClinGen allele CA577032.